The following is an entry in ClinVar:

NM_006796.3(AFG3L2):c.1071A>G (p.Leu357=)

Gene: AFG3L2 (AFG3 like matrix AAA peptidase subunit 2; minus strand). Cytogenetic location: 18p11.21.
Variant type: single nucleotide variant.
Coding change: c.1071A>G on transcript NM_006796.3 (MANE Select); coding-DNA position 1071, A replaced by G.
Protein change: p.Leu357=; no amino-acid change (leucine 357 retained).
Molecular consequence: synonymous variant.
Genome position (GRCh38, 1-based): chr18:12,356,787, T>C on the plus strand (A>G on the coding strand, the complement: AFG3L2 is on the minus strand). VCF-style: chr18-12356787-T-C. GRCh37 (hg19) VCF-style: chr18-12356786-T-C.
Identifiers: ClinVar variation 508074 (VCV000508074.1), dbSNP rs762769764, ClinGen allele CA8896599.

ClinVar aggregate classification (germline): Likely benign (1 of 4 stars; one submission).

Allele frequency attached by ClinVar (database versions not stated): ExAC 0.00001; gnomAD 0.00003; gnomAD exomes below 0.00001 and 0.00002; TOPMed 0.00002.
gnomAD v4.1: 36 of 1,614,060 alleles (0.0022%); highest among the groups gnomAD compares: Non-Finnish European, 0.0031%; no homozygotes.

Submission:

GeneDx
Classification: Likely benign. Last evaluated: 2017-03-30. Review status: criteria provided, single submitter. Criteria: GeneDx Variant Classification (06012015). Collection method: clinical testing. Allele origin: germline. Affected: yes.
Comment: This variant is considered likely benign or benign based on one or more of the following criteria: it is a conservative change, it occurs at a poorly conserved position in the protein, it is predicted to be benign by multiple in silico algorithms, and/or has population frequency not consistent with disease.